The following is an entry in ClinVar:

NM_001142800.2(EYS):c.8590G>T (p.Gly2864Ter)

Genes: EYS (EGF-like photoreceptor maintenance factor; minus strand), PHF3 (PHD finger protein 3; plus strand). Cytogenetic location: 6q12.
Variant type: single nucleotide variant.
Coding change: c.8590G>T on transcript NM_001142800.2 (MANE Select); coding-DNA position 8590, G replaced by T.
Protein change: p.Gly2864Ter; replaces glycine 2864 with a stop codon.
Molecular consequence: nonsense. On other transcripts: 3 prime UTR variant (5).
Genome position (GRCh38, 1-based): chr6:63,721,441, C>A on the plus strand (G>T on the coding strand, the complement: EYS is on the minus strand). VCF-style: chr6-63721441-C-A. GRCh37 (hg19) VCF-style: chr6-64431337-C-A.
Other names: c.*7733C>A (NM_001290259.2, NM_001370348.2, NM_001370349.2 and 2 more transcripts); c.8653G>T, p.Gly2885Ter (NM_001292009.2); short protein forms G2864*, G2885*.
Identifiers: ClinVar variation 802231 (VCV000802231.6), dbSNP rs1582140331, ClinGen allele CA364384417.

ClinVar aggregate classification (germline): Pathogenic. Review status: criteria provided, multiple submitters, no conflicts (2 of 4 stars). 2 submissions from 2 submitters: Pathogenic (2). Last evaluated 2024-02-23.

Conditions:
Retinitis pigmentosa 25 (RP25). Identifiers: Orphanet 791, MedGen C1864446, MONDO:0011272, OMIM 602772.

Allele frequency attached by ClinVar (database versions not stated): gnomAD exomes below 0.00001.
gnomAD v4.1: 1 of 1,551,620 alleles (0.000064%); highest among the groups gnomAD compares: Non-Finnish European, 0.000087%; no homozygotes.

Submissions (2):

Labcorp Genetics (formerly Invitae), Labcorp
Classification: Pathogenic. Last evaluated: 2024-02-23. Review status: criteria provided, single submitter. Criteria: Invitae Variant Classification Sherloc (09022015). Collection method: clinical testing. Allele origin: germline.
Comment: This sequence change creates a premature translational stop signal (p.Gly2864*) in the EYS gene. While this is not anticipated to result in nonsense mediated decay, it is expected to disrupt the last 281 amino acid(s) of the EYS protein. This variant is not present in population databases (gnomAD no frequency). This variant has not been reported in the literature in individuals affected with EYS-related conditions. ClinVar contains an entry for this variant (Variation ID: 802231). This variant disrupts a region of the EYS protein in which other variant(s) (p.Tyr3135*) have been determined to be pathogenic (PMID: 18976725, 29159838, 30337596, 31074760). This suggests that this is a clinically significant region of the protein, and that variants that disrupt it are likely to be disease-causing. For these reasons, this variant has been classified as Pathogenic.

Mendelics
Classification: Pathogenic for Retinitis pigmentosa 25. Last evaluated: 2019-05-28. Review status: criteria provided, single submitter. Criteria: Mendelics Assertion Criteria 2017. Collection method: clinical testing. Allele origin: unknown.

Literature cited by the submitters: PubMed 18976725 (cited by Labcorp Genetics (formerly Invitae), Labcorp); PubMed 29159838 (cited by Labcorp Genetics (formerly Invitae), Labcorp); PubMed 30337596 (cited by Labcorp Genetics (formerly Invitae), Labcorp); PubMed 31074760 (cited by Labcorp Genetics (formerly Invitae), Labcorp).